The following is an entry in ClinVar:

NM_000733.4(CD3E):c.49+1G>C

Gene: CD3E (CD3 epsilon subunit of T-cell receptor complex; plus strand). Cytogenetic location: 11q23.3.
Variant type: single nucleotide variant.
Coding change: c.49+1G>C on transcript NM_000733.4 (MANE Select); the canonical splice donor site of the intron after coding-DNA position 49, G replaced by C.
Molecular consequence: splice donor variant.
Genome position (GRCh38, 1-based): chr11:118,305,002, G>C. VCF-style: chr11-118305002-G-C. GRCh37 (hg19) VCF-style: chr11-118175717-G-C.
Identifiers: ClinVar variation 2735762 (VCV002735762.4), dbSNP rs147435007, ClinGen allele CA501153.

ClinVar aggregate classification (germline): Pathogenic. Review status: criteria provided, multiple submitters, no conflicts (2 of 4 stars). 2 submissions from 2 submitters: Pathogenic (2). Last evaluated 2025-04-29.

Conditions:
Immunodeficiency 18 (IMD18). Also called: CD3-EPSILON DEFICIENCY; CD3epsilon deficiency. Identifiers: MedGen C3810127, MONDO:0014278, OMIM 615615.

Allele frequency attached by ClinVar (database versions not stated): TOPMed 0.00001; ESP Exome Variant Server 0.00008; gnomAD exomes below 0.00001.
gnomAD v4.1: 5 of 1,613,800 alleles (0.00031%); highest among the groups gnomAD compares: Non-Finnish European, 0.00042%; no homozygotes.

Submissions (2):

Labcorp Genetics (formerly Invitae), Labcorp
Classification: Pathogenic for Immunodeficiency 18. Last evaluated: 2025-04-29. Review status: criteria provided, single submitter. Criteria: Invitae Variant Classification Sherloc (09022015). Collection method: clinical testing. Allele origin: germline.
Comment: This sequence change affects a donor splice site in intron 2 of the CD3E gene. It is expected to disrupt RNA splicing. Variants that disrupt the donor or acceptor splice site typically lead to a loss of protein function (PMID: 16199547), and loss-of-function variants in CD3E are known to be pathogenic (PMID: 8490660, 15546002). This variant is not present in population databases (gnomAD no frequency). Disruption of this splice site has been observed in individual(s) with severe combined immunodeficiency due to CD3-epsilon deficiency (PMID: 24515816). ClinVar contains an entry for this variant (Variation ID: 2735762). Studies have shown that disruption of this splice site alters CD3E gene expression (PMID: 24515816). Algorithms developed to predict the effect of sequence changes on RNA splicing suggest that this variant may disrupt the consensus splice site. For these reasons, this variant has been classified as Pathogenic.

Dasa
Classification: Pathogenic. Last evaluated: 2024-10-11. Review status: criteria provided, single submitter. Criteria: DASA Assertion Criteria. Collection method: clinical testing. Allele origin: germline.
Comment: NM_000733.4(CD3E):c.49+1G>C introduces a premature termination codon predicted to result in loss of normal protein function. Loss-of-function is an established mechanism of disease for this gene. This variant has been observed in affected individuals with related phenotype in a genotype context consistent with recessive disease (PMID: 24515816). This variant has been reported in individuals with related phenotype (PMID: 24515816). The variant is present at low frequency in population datasets. Based on the available data, this variant is classified as pathogenic.

Literature cited by the submitters: PubMed 16199547 (cited by Labcorp Genetics (formerly Invitae), Labcorp); PubMed 8490660 (cited by Labcorp Genetics (formerly Invitae), Labcorp); PubMed 15546002 (cited by Labcorp Genetics (formerly Invitae), Labcorp); PubMed 24515816 (cited by Labcorp Genetics (formerly Invitae), Labcorp and Dasa).